The following is an entry in ClinVar:

ClinVar aggregate classification (germline): Benign. Review status: criteria provided, multiple submitters, no conflicts (2 of 4 stars). 5 submissions from 5 submitters: Benign (5). Last evaluated 2026-02-04.

Conditions:
Pelviscapular dysplasia. Identifiers: Orphanet 93333, MedGen C1850040, MONDO:0009845, OMIM 260660.

Allele frequency attached by ClinVar (database versions not stated): ESP Exome Variant Server 0.03375; 1000 Genomes Project 30x 0.04122; TOPMed 0.03160; 1000 Genomes Project 0.04153.
gnomAD v4.1: 73,685 of 1,614,162 alleles (4.6%); highest among the groups gnomAD compares: South Asian, 9.9%; 2,170 homozygotes.

Submissions (5):

Labcorp Genetics (formerly Invitae), Labcorp
Classification: Benign. Last evaluated: 2026-02-04. Review status: criteria provided, single submitter. Criteria: Invitae Variant Classification Sherloc (09022015). Collection method: clinical testing. Allele origin: germline.

Genome-Nilou Lab
Classification: Benign for Pelviscapular dysplasia. Last evaluated: 2023-04-11. Review status: criteria provided, single submitter. Criteria: ACMG Guidelines, 2015. Collection method: clinical testing. Allele origin: germline. Affected: no.

GeneDx
Classification: Benign. Last evaluated: 2019-01-16. Review status: criteria provided, single submitter. Criteria: GeneDx Variant Classification Process June 2021. Collection method: clinical testing. Allele origin: germline. Affected: yes.
Comment: This variant is associated with the following publications: (PMID: 28146470)

Eurofins Ntd Llc (ga)
Classification: Benign. Last evaluated: 2017-10-20. Review status: criteria provided, single submitter. Criteria: EGL Classification Definitions 2015. Collection method: clinical testing. Allele origin: germline. Observed: 1 variant allele, 1 heterozygote.

Breakthrough Genomics
Classification: Benign. Review status: criteria provided, single submitter. Criteria: ACMG Guidelines, 2015. Collection method: not provided. Allele origin: germline. Inheritance: Autosomal recessive inheritance. Affected: yes.

NM_001330677.2(TBX15):c.1697T>G (p.Met566Arg)

Gene: TBX15 (T-box transcription factor 15; minus strand). Cytogenetic location: 1p12.
Variant type: single nucleotide variant.
Coding change: c.1697T>G on transcript NM_001330677.2 (MANE Select); coding-DNA position 1697, T replaced by G.
Protein change: p.Met566Arg; replaces methionine 566 with arginine.
Molecular consequence: missense variant.
Genome position (GRCh38, 1-based): chr1:118,884,844, A>C on the plus strand (T>G on the coding strand, the complement: TBX15 is on the minus strand). VCF-style: chr1-118884844-A-C. GRCh37 (hg19) VCF-style: chr1-119427467-A-C.
Other names: c.1379T>G, p.Met460Arg (NM_152380.3); short protein forms M460R, M566R.
Identifiers: ClinVar variation 594474 (VCV000594474.16), dbSNP rs61730011, ClinGen allele CA1034784.